The following is an entry in ClinVar:

ClinVar aggregate classification (germline): Uncertain significance (1 of 4 stars; one submission).

Conditions:
Cardiovascular phenotype. Identifiers: MedGen CN230736.

Submission:

Ambry Genetics
Classification: Uncertain significance for Cardiovascular phenotype. Last evaluated: 2026-09-11. Review status: criteria provided, single submitter. Criteria: Ambry Variant Classification Scheme 2023. Collection method: clinical testing. Allele origin: germline.
Comment: The p.N634D variant (also known as c.1900A>G), located in coding exon 9 of the PKP2 gene, results from an A to G substitution at nucleotide position 1900. The asparagine at codon 634 is replaced by aspartic acid, an amino acid with highly similar properties. This amino acid position is conserved. In addition, this alteration is predicted to be tolerated by in silico analysis. Based on the available evidence, the clinical significance of this variant remains unclear.

NM_001005242.3(PKP2):c.1768A>G (p.Asn590Asp)

Gene: PKP2 (plakophilin 2; minus strand). Cytogenetic location: 12p11.21.
Variant type: single nucleotide variant.
Coding change: c.1768A>G on transcript NM_001005242.3 (MANE Select); coding-DNA position 1768, A replaced by G.
Protein change: p.Asn590Asp; replaces asparagine 590 with aspartic acid.
Molecular consequence: missense variant. On other transcripts: intron variant (1).
Genome position (GRCh38, 1-based): chr12:32,822,538, T>C on the plus strand (A>G on the coding strand, the complement: PKP2 is on the minus strand). VCF-style: chr12-32822538-T-C. GRCh37 (hg19) VCF-style: chr12-32975472-T-C.
Other names: c.1768A>G, p.Asn590Asp (NM_001407155.1, NM_001407161.1); c.1900A>G, p.Asn634Asp (NM_001407157.1, NM_004572.4); c.1441A>G, p.Asn481Asp (NM_001407158.1, NM_001407159.1, NM_001407160.1 and 1 more transcripts); c.1675-1009A>G (NM_001407156.1); short protein forms N634D, N590D, N481D.
Identifiers: ClinVar variation 4614733 (VCV004614733.2).
Genomic context (GRCh38, chr12:32,822,538, plus strand): 5'-TCCTGCTTCGACTGCCAAAACATCCAATACTTTTGTTGTTGTCAGTCTGGATATTCCGGT[T>C]TTGAATATAGATATTCTGGGAATATTTCTCTGGGAGCTCTGCCTCCAGCTGGTAGGAGAG-3'
Protein context (NP_001005242.2, residues 580-600): EKYSQNIYIQ[Asn590Asp]RNIQTDNNKS